The following is an entry in ClinVar:

NM_001271.4(CHD2):c.1720A>G (p.Ile574Val)

Gene: CHD2 (chromodomain helicase DNA binding protein 2; plus strand). Cytogenetic location: 15q26.1.
Variant type: single nucleotide variant.
Coding change: c.1720A>G on transcript NM_001271.4 (MANE Select); coding-DNA position 1720, A replaced by G.
Protein change: p.Ile574Val; replaces isoleucine 574 with valine.
Molecular consequence: missense variant.
Genome position (GRCh38, 1-based): chr15:92,955,423, A>G. VCF-style: chr15-92955423-A-G. GRCh37 (hg19) VCF-style: chr15-93498653-A-G.
Other names: short protein forms I574V.
Identifiers: ClinVar variation 3383577 (VCV003383577.2).

ClinVar aggregate classification (germline): Uncertain significance (1 of 4 stars; one submission).

gnomAD v4.1: 1 of 1,565,398 alleles (0.000064%); highest among the groups gnomAD compares: South Asian, 0.0012%; no homozygotes.

Submission:

GeneDx
Classification: Uncertain significance. Last evaluated: 2025-01-27. Review status: criteria provided, single submitter. Criteria: GeneDx Variant Classification Process June 2021. Collection method: clinical testing. Allele origin: germline. Affected: yes.
Comment: Not observed at significant frequency in large population cohorts (gnomAD); In silico analysis indicates that this missense variant does not alter protein structure/function; Has not been previously published as pathogenic or benign to our knowledge